The following is an entry in ClinVar:

ClinVar aggregate classification (germline): Benign/Likely benign. Review status: criteria provided, multiple submitters, no conflicts (2 of 4 stars). 6 submissions from 6 submitters: Benign (2); Likely benign (3). 1 of the submissions does not count toward it. Last evaluated 2026-01-13.

Conditions:
Hajdu-Cheney syndrome (HJCYS). Also called: SERPENTINE FIBULA-POLYCYSTIC KIDNEY SYNDROME; ACROOSTEOLYSIS WITH OSTEOPOROSIS AND CHANGES IN SKULL AND MANDIBLE; Acroosteolysis dominant type. Identifiers: Orphanet 955, MedGen C0917715, MONDO:0007057, OMIM 102500.
NOTCH2-related disorder. Also called: NOTCH2-related condition.

Allele frequency attached by ClinVar (database versions not stated): gnomAD exomes 0.00014 and 0.00033; ExAC 0.00044; ESP Exome Variant Server 0.00092; gnomAD 0.00137 and 0.00143; TOPMed 0.00139; 1000 Genomes Project 0.00160; 1000 Genomes Project 30x 0.00187.
gnomAD v4.1: 423 of 1,612,166 alleles (0.026%); highest among the groups gnomAD compares: African/African-American, 0.43%; 7 homozygotes.

Submissions (7):

Labcorp Genetics (formerly Invitae), Labcorp
Classification: Benign for Hajdu-Cheney syndrome. Last evaluated: 2026-01-13. Review status: criteria provided, single submitter. Criteria: Invitae Variant Classification Sherloc (09022015). Collection method: clinical testing. Allele origin: germline.

Mayo Clinic Laboratories, Mayo Clinic
Classification: Likely benign. Last evaluated: 2025-05-22. Review status: criteria provided, single submitter. Criteria: ACMG Guidelines, 2015. Collection method: clinical testing. Allele origin: germline. Observed: 2 variant alleles.
Comment: BS1, BP4, BP7

Blueprint Genetics
Classification: Likely benign. Last evaluated: 2024-09-04. Review status: criteria provided, single submitter. Criteria: ACMG Guidelines, 2015. Collection method: clinical testing. Allele origin: germline.

GeneDx
Classification: Benign. Last evaluated: 2021-02-26. Review status: criteria provided, single submitter. Criteria: GeneDx Variant Classification Process June 2021. Collection method: clinical testing. Allele origin: germline. Affected: yes.

Eurofins Ntd Llc (ga)
Classification: Likely benign. Last evaluated: 2016-06-01. Review status: criteria provided, single submitter. Criteria: EGL Classification Definitions 2015. Collection method: clinical testing. Allele origin: germline. Observed: 1 variant allele, 1 heterozygote.

PreventionGenetics, part of Exact Sciences
Classification: Likely benign for NOTCH2-related condition. Last evaluated: 2021-03-29. Review status: no assertion criteria provided. Collection method: clinical testing. Allele origin: germline. Not counted in ClinVar's aggregate classification.
Comment: This variant is classified as likely benign based on ACMG/AMP sequence variant interpretation guidelines (Richards et al. 2015 PMID: 25741868, with internal and published modifications).

Dr. Peter K. Rogan Lab, Western University
No classification provided (evidence only). Condition: Colon adenocarcinoma. Review status: no classification provided. Collection method: in vitro. Allele origin: not applicable. Functional consequence: retained intron. Not counted in ClinVar's aggregate classification.

NM_024408.4(NOTCH2):c.4122C>T (p.Cys1374=)

Gene: NOTCH2 (notch receptor 2; minus strand). Cytogenetic location: 1p12.
Variant type: single nucleotide variant.
Coding change: c.4122C>T on transcript NM_024408.4 (MANE Select); coding-DNA position 4122, C replaced by T.
Protein change: p.Cys1374=; no amino-acid change (cysteine 1374 retained).
Molecular consequence: synonymous variant.
Genome position (GRCh38, 1-based): chr1:119,925,694, G>A on the plus strand (C>T on the coding strand, the complement: NOTCH2 is on the minus strand). VCF-style: chr1-119925694-G-A. GRCh37 (hg19) VCF-style: chr1-120468317-G-A.
Other names: p.Cys1374=.
Identifiers: ClinVar variation 288465 (VCV000288465.20), dbSNP rs74117504, ClinGen allele CA1039908.
Genomic context (GRCh38, chr1:119,925,694, plus strand): 5'-CTGGCGCTGAGGGTGGCAGCTGCCCCCGTGCTGGCAGGGGCTACTGGCACAGCCTGACTC[G>A]CAGTCCCGGGGACTGGGGCAGAAGCAGCGGGGTCCAGAGGCGGTGTGCACACACTGCTCC-3'
Protein context (NP_077719.2, residues 1364-1384): PRCFCPSPRD[Cys1374=]ESGCASSPCQ